The following is an entry in ClinVar:

NM_001846.4(COL4A2):c.377G>A (p.Gly126Asp)

Gene: COL4A2 (collagen type IV alpha 2 chain; plus strand). Cytogenetic location: 13q34.
Variant type: single nucleotide variant.
Coding change: c.377G>A on transcript NM_001846.4 (MANE Select); coding-DNA position 377, G replaced by A.
Protein change: p.Gly126Asp; replaces glycine 126 with aspartic acid.
Molecular consequence: missense variant.
Genome position (GRCh38, 1-based): chr13:110,428,483, G>A. VCF-style: chr13-110428483-G-A. GRCh37 (hg19) VCF-style: chr13-111080830-G-A.
Other names: short protein forms G126D.
Identifiers: ClinVar variation 1432935 (VCV001432935.8), dbSNP rs1880549875, ClinGen allele CA388728857.

ClinVar aggregate classification (germline): Uncertain significance (1 of 4 stars; one submission).

Submission:

Labcorp Genetics (formerly Invitae), Labcorp
Classification: Uncertain significance. Last evaluated: 2021-06-25. Review status: criteria provided, single submitter. Criteria: Invitae Variant Classification Sherloc (09022015). Collection method: clinical testing. Allele origin: germline.
Comment: In summary, the available evidence is currently insufficient to determine the role of this variant in disease. Therefore, it has been classified as a Variant of Uncertain Significance. Advanced modeling of protein sequence and biophysical properties (such as structural, functional, and spatial information, amino acid conservation, physicochemical variation, residue mobility, and thermodynamic stability) performed at Invitae indicates that this missense variant is not expected to disrupt COL4A2 protein function. This variant has not been reported in the literature in individuals with COL4A2-related conditions. This variant is not present in population databases (ExAC no frequency). This sequence change replaces glycine with aspartic acid at codon 126 of the COL4A2 protein (p.Gly126Asp). The glycine residue is moderately conserved and there is a moderate physicochemical difference between glycine and aspartic acid.